The following is an entry in ClinVar:

ClinVar aggregate classification (germline): Uncertain significance (1 of 4 stars; one submission).

Conditions:
Xeroderma pigmentosum, group F (XPF). Also called: XERODERMA PIGMENTOSUM VI; XP, GROUP F; XERODERMA PIGMENTOSUM, COMPLEMENTATION GROUP F; ERCC4-Related Xeroderma Pigmentosum; XERODERMA PIGMENTOSUM, TYPE F; Xeroderma pigmentosum, type 6. Identifiers: MedGen C0268140, MONDO:0010215, OMIM 278760.
Cockayne syndrome. Identifiers: Orphanet 191, MedGen C0009207, MONDO:0016006.
Fanconi anemia complementation group Q. Identifiers: Orphanet 84, MedGen C3808988, MONDO:0014108, OMIM 615272.

Allele frequency attached by ClinVar (database versions not stated): gnomAD exomes below 0.00001; ExAC 0.00002.
gnomAD v4.1: 2 of 1,614,214 alleles (0.00012%); highest among the groups gnomAD compares: Non-Finnish European, 0.00017%; no homozygotes.

Submission:

Labcorp Genetics (formerly Invitae), Labcorp
Classification: Uncertain significance for Fanconi anemia complementation group Q; Xeroderma pigmentosum, group F; Cockayne syndrome. Last evaluated: 2022-01-14. Review status: criteria provided, single submitter. Criteria: Invitae Variant Classification Sherloc (09022015). Collection method: clinical testing. Allele origin: germline.
Comment: In summary, the available evidence is currently insufficient to determine the role of this variant in disease. Therefore, it has been classified as a Variant of Uncertain Significance. Algorithms developed to predict the effect of missense changes on protein structure and function are either unavailable or do not agree on the potential impact of this missense change (SIFT: "Tolerated"; PolyPhen-2: "Probably Damaging"; Align-GVGD: "Class C0"). This variant has not been reported in the literature in individuals affected with ERCC4-related conditions. This variant is present in population databases (rs753851289, gnomAD 0.002%). This sequence change replaces leucine, which is neutral and non-polar, with proline, which is neutral and non-polar, at codon 790 of the ERCC4 protein (p.Leu790Pro).

NM_005236.3(ERCC4):c.2369T>C (p.Leu790Pro)

Gene: ERCC4 (ERCC excision repair 4, endonuclease catalytic subunit; plus strand). Cytogenetic location: 16p13.12.
Variant type: single nucleotide variant.
Coding change: c.2369T>C on transcript NM_005236.3 (MANE Select); coding-DNA position 2369, T replaced by C.
Protein change: p.Leu790Pro; replaces leucine 790 with proline.
Molecular consequence: missense variant.
Genome position (GRCh38, 1-based): chr16:13,947,965, T>C. VCF-style: chr16-13947965-T-C. GRCh37 (hg19) VCF-style: chr16-14041822-T-C.
Other names: short protein forms L790P.
Identifiers: ClinVar variation 2177279 (VCV002177279.4), dbSNP rs753851289, ClinGen allele CA7910728.